The following is an entry in ClinVar:

ClinVar aggregate classification (germline): Uncertain significance (1 of 4 stars; one submission).

Conditions:
Early-infantile DEE. Also called: Ohtahara syndrome; Early infantile epileptic encephalopathy with suppression bursts; Early infantile epileptic encephalopathy. Identifiers: Orphanet 1934, MedGen C0393706, MONDO:0800491.

Allele frequency attached by ClinVar (database versions not stated): gnomAD exomes below 0.00001; ExAC 0.00001.
gnomAD v4.1: 2 of 1,614,098 alleles (0.00012%); highest among the groups gnomAD compares: Non-Finnish European, 0.000085%; no homozygotes.

Submission:

Labcorp Genetics (formerly Invitae), Labcorp
Classification: Uncertain significance for Early-infantile DEE. Last evaluated: 2019-12-19. Review status: criteria provided, single submitter. Criteria: Invitae Variant Classification Sherloc (09022015). Collection method: clinical testing. Allele origin: germline.
Comment: In summary, the available evidence is currently insufficient to determine the role of this variant in disease. Therefore, it has been classified as a Variant of Uncertain Significance. Algorithms developed to predict the effect of missense changes on protein structure and function are either unavailable or do not agree on the potential impact of this missense change (SIFT: "Deleterious"; PolyPhen-2: "Benign"; Align-GVGD: "Class C0"). This variant has not been reported in the literature in individuals with SCN8A-related conditions. This variant is present in population databases (rs780745536, ExAC 0.002%). This sequence change replaces asparagine with serine at codon 1198 of the SCN8A protein (p.Asn1198Ser). The asparagine residue is highly conserved and there is a small physicochemical difference between asparagine and serine.

NM_001330260.2(SCN8A):c.3593A>G (p.Asn1198Ser)

Gene: SCN8A (sodium voltage-gated channel alpha subunit 8; plus strand). Cytogenetic location: 12q13.13.
Variant type: single nucleotide variant.
Coding change: c.3593A>G on transcript NM_001330260.2 (MANE Select); coding-DNA position 3593, A replaced by G.
Protein change: p.Asn1198Ser; replaces asparagine 1198 with serine.
Molecular consequence: missense variant.
Genome position (GRCh38, 1-based): chr12:51,770,631, A>G. VCF-style: chr12-51770631-A-G. GRCh37 (hg19) VCF-style: chr12-52164415-A-G.
Other names: c.3593A>G, p.Asn1198Ser (NM_001177984.3, NM_001369788.1, NM_014191.4); short protein forms N1198S.
Identifiers: ClinVar variation 852065 (VCV000852065.10), dbSNP rs780745536, ClinGen allele CA6571639.